The following is an entry in ClinVar:

NM_001283009.2(RTEL1):c.2827C>A (p.Pro943Thr)

Genes: RTEL1 (regulator of telomere elongation helicase 1; plus strand), RTEL1-TNFRSF6B (RTEL1-TNFRSF6B readthrough (NMD candidate); plus strand). Cytogenetic location: 20q13.33.
Variant type: single nucleotide variant.
Coding change: c.2827C>A on transcript NM_001283009.2 (MANE Select); coding-DNA position 2827, C replaced by A.
Protein change: p.Pro943Thr; replaces proline 943 with threonine.
Molecular consequence: missense variant. On other transcripts: non-coding transcript variant (1).
Genome position (GRCh38, 1-based): chr20:63,692,979, C>A. VCF-style: chr20-63692979-C-A. GRCh37 (hg19) VCF-style: chr20-62324332-C-A.
Other names: c.2158C>A, p.Pro720Thr (NM_001283010.1); c.2827C>A, p.Pro943Thr (NM_016434.4); c.2899C>A, p.Pro967Thr (NM_032957.5); short protein forms P720T, P943T, P967T.
Identifiers: ClinVar variation 4863608 (VCV004863608.1).
Genomic context (GRCh38, chr20:63,692,979, plus strand): 5'-AAGGGTTCCGATGACTTCGCCGCCCTGGCCGCCTGTCTCGGCCCCCTCTTTGCTGAGGAC[C>A]CCAAGAAGCACAACCTGCTCCAAGGTGCCCTGGCTTGCAGAGGCCACCCACCCTGAGGGC-3'
Protein context (NP_001269938.1, residues 933-953): ACLGPLFAED[Pro943Thr]KKHNLLQGFY

ClinVar aggregate classification (germline): Uncertain significance (1 of 4 stars; one submission).

Conditions:
Inborn genetic diseases. Identifiers: MedGen C0950123, MeSH D030342.

Submission:

Ambry Genetics
Classification: Uncertain significance for Inborn genetic diseases. Last evaluated: 2026-05-30. Review status: criteria provided, single submitter. Criteria: Ambry Variant Classification Scheme 2023. Collection method: clinical testing. Allele origin: germline.
Comment: The p.P943T variant (also known as c.2827C>A), located in coding exon 28 of the RTEL1 gene, results from a C to A substitution at nucleotide position 2827. The proline at codon 943 is replaced by threonine, an amino acid with highly similar properties. This amino acid position is conserved. In addition, this alteration is predicted to be tolerated by in silico analysis. Based on the available evidence, the clinical significance of this variant remains unclear.